The following is an entry in ClinVar:

ClinVar aggregate classification (germline): Pathogenic (1 of 4 stars; one submission).

Conditions:
Familial intrahepatic cholestasis. Identifiers: Orphanet 284385, MedGen CN296401, MONDO:0017290.

Submission:

Genomenon, Inc
Classification: Pathogenic for Familial intrahepatic cholestasis. Last evaluated: 2026-04-14. Review status: criteria provided, single submitter. Criteria: Genomenon Sequence Variant Interpretation Standards - Updated. Collection method: curation. Allele origin: germline. Affected: yes.
Comment: ATP8B1 p.Glu585Ter (c.1753G>T) is a nonsense variant that introduces a premature stop codon at amino acid position 585, creating a truncated protein that is predicted to undergo nonsense-mediated mRNA decay. This variant has been observed in at least one proband with features of ATP8B1-deficiency (PMID:34916336;31555573). It is absent or not present at a significant frequency in gnomAD. In conclusion, we classify ATP8B1 p.Glu585Ter (c.1753G>T) as a pathogenic variant.

Literature cited by the submitters: PubMed 34916336; PubMed 31555573.

NM_001374385.1(ATP8B1):c.1753G>T (p.Glu585Ter)

Gene: ATP8B1 (ATPase phospholipid transporting 8B1; minus strand). Cytogenetic location: 18q21.31.
Variant type: single nucleotide variant.
Coding change: c.1753G>T on transcript NM_001374385.1 (MANE Select); coding-DNA position 1753, G replaced by T.
Protein change: p.Glu585Ter; replaces glutamic acid 585 with a stop codon.
Molecular consequence: nonsense.
Genome position (GRCh38, 1-based): chr18:57,674,900, C>A on the plus strand (G>T on the coding strand, the complement: ATP8B1 is on the minus strand). VCF-style: chr18-57674900-C-A. GRCh37 (hg19) VCF-style: chr18-55342132-C-A.
Other names: c.1603G>T, p.Glu535Ter (NM_001374386.1); c.1753G>T, p.Glu585Ter (NM_005603.6); short protein forms E535*, E585*.
Identifiers: ClinVar variation 4845972 (VCV004845972.1).